The following is an entry in ClinVar:

NM_000268.4(NF2):c.759G>A (p.Lys253=)

Gene: NF2 (NF2, moesin-ezrin-radixin like (MERLIN) tumor suppressor; plus strand). Cytogenetic location: 22q12.2.
Variant type: single nucleotide variant.
Coding change: c.759G>A on transcript NM_000268.4 (MANE Select); coding-DNA position 759, G replaced by A.
Protein change: p.Lys253=; no amino-acid change (lysine 253 retained).
Molecular consequence: synonymous variant. On other transcripts: non-coding transcript variant (1), intron variant (1).
Genome position (GRCh38, 1-based): chr22:29,661,288, G>A. VCF-style: chr22-29661288-G-A. GRCh37 (hg19) VCF-style: chr22-30057277-G-A.
Other names: c.759G>A, p.Lys253= (NM_016418.5, NM_181825.3, NM_181832.3); c.633G>A, p.Lys211= (NM_181828.3); c.636G>A, p.Lys212= (NM_181829.3); c.510G>A, p.Lys170= (NM_181830.3, NM_181831.3); c.447+19003G>A (NM_181833.3).
Identifiers: ClinVar variation 509471 (VCV000509471.12), dbSNP rs760272926, ClinGen allele CA035023.

ClinVar aggregate classification (germline): Likely benign. Review status: criteria provided, multiple submitters, no conflicts (2 of 4 stars). 3 submissions from 3 submitters: Likely benign (3). Last evaluated 2024-12-08.

Conditions:
Hereditary cancer-predisposing syndrome. Also called: Tumor predisposition; Hereditary neoplastic syndrome; Neoplastic Syndromes, Hereditary; Hereditary Cancer Syndrome. Identifiers: Orphanet 140162, MedGen C0027672, MeSH D009386, MONDO:0015356.
Neurofibromatosis, type 2 (SWNV). Also called: NF2-Related Schwannomatosis; BILATERAL ACOUSTIC NEUROFIBROMATOSIS; SCHWANNOMATOSIS, VESTIBULAR. Identifiers: Orphanet 637, MedGen C0027832, MONDO:0007039, OMIM 101000. Disease mechanism: loss of function.

Allele frequency attached by ClinVar (database versions not stated): gnomAD exomes below 0.00001; ExAC 0.00001.
gnomAD v4.1: 8 of 1,614,232 alleles (0.0005%); highest among the groups gnomAD compares: Admixed American, 0.0017%; no homozygotes.

Submissions (3):

Labcorp Genetics (formerly Invitae), Labcorp
Classification: Likely benign for Neurofibromatosis, type 2. Last evaluated: 2024-12-08. Review status: criteria provided, single submitter. Criteria: Invitae Variant Classification Sherloc (09022015). Collection method: clinical testing. Allele origin: germline.

Ambry Genetics
Classification: Likely benign for Hereditary cancer-predisposing syndrome. Last evaluated: 2022-01-21. Review status: criteria provided, single submitter. Criteria: Ambry Variant Classification Scheme 2023. Collection method: clinical testing. Allele origin: germline.

GeneDx
Classification: Likely benign. Last evaluated: 2017-05-08. Review status: criteria provided, single submitter. Criteria: GeneDx Variant Classification (06012015). Collection method: clinical testing. Allele origin: germline. Affected: yes.
Comment: This variant is considered likely benign or benign based on one or more of the following criteria: it is a conservative change, it occurs at a poorly conserved position in the protein, it is predicted to be benign by multiple in silico algorithms, and/or has population frequency not consistent with disease.